The following is an entry in ClinVar:

ClinVar aggregate classification (germline): Uncertain significance. Review status: criteria provided, multiple submitters, no conflicts (2 of 4 stars). 2 submissions from 2 submitters: Uncertain significance (2). Last evaluated 2025-09-02.

Conditions:
Cardiovascular phenotype. Identifiers: MedGen CN230736.
Hereditary cancer-predisposing syndrome. Also called: Neoplastic Syndromes, Hereditary; Tumor predisposition; Hereditary neoplastic syndrome; Hereditary Cancer Syndrome. Identifiers: Orphanet 140162, MedGen C0027672, MeSH D009386, MONDO:0015356.
Neurofibromatosis, type 1 (NF1). Also called: VON RECKLINGHAUSEN DISEASE; NEUROFIBROMATOSIS, TYPE I, SOMATIC; Peripheral type neurofibromatosis; Neurofibromatosis, type I. Identifiers: Orphanet 636, MedGen C0027831, MONDO:0018975, OMIM 162200. Disease mechanism: loss of function.

Submissions (2):

Ambry Genetics
Classification: Uncertain significance for Cardiovascular phenotype; Hereditary cancer-predisposing syndrome. Last evaluated: 2025-09-02. Review status: criteria provided, single submitter. Criteria: Ambry Variant Classification Scheme 2023. Collection method: clinical testing. Allele origin: germline.
Comment: The p.A1462T variant (also known as c.4384G>A), located in coding exon 33 of the NF1 gene, results from a G to A substitution at nucleotide position 4384. The alanine at codon 1462 is replaced by threonine, an amino acid with similar properties. This amino acid position is highly conserved in available vertebrate species. In addition, this alteration is predicted to be deleterious by in silico analysis. Based on the available evidence, the clinical significance of this variant remains unclear.

Labcorp Genetics (formerly Invitae), Labcorp
Classification: Uncertain significance for Neurofibromatosis, type 1. Last evaluated: 2022-09-09. Review status: criteria provided, single submitter. Criteria: Invitae Variant Classification Sherloc (09022015). Collection method: clinical testing. Allele origin: germline.
Comment: This sequence change replaces alanine, which is neutral and non-polar, with threonine, which is neutral and polar, at codon 1462 of the NF1 protein (p.Ala1462Thr). This variant is not present in population databases (gnomAD no frequency). This variant has not been reported in the literature in individuals affected with NF1-related conditions. ClinVar contains an entry for this variant (Variation ID: 527492). Advanced modeling of protein sequence and biophysical properties (such as structural, functional, and spatial information, amino acid conservation, physicochemical variation, residue mobility, and thermodynamic stability) performed at Invitae indicates that this missense variant is expected to disrupt NF1 protein function. Algorithms developed to predict the effect of sequence changes on RNA splicing suggest that this variant may disrupt the consensus splice site. In summary, the available evidence is currently insufficient to determine the role of this variant in disease. Therefore, it has been classified as a Variant of Uncertain Significance.

NM_001042492.3(NF1):c.4447G>A (p.Ala1483Thr)

Gene: NF1 (neurofibromin 1; plus strand). Cytogenetic location: 17q11.2.
Variant type: single nucleotide variant.
Coding change: c.4447G>A on transcript NM_001042492.3 (MANE Select); coding-DNA position 4447, G replaced by A.
Protein change: p.Ala1483Thr; replaces alanine 1483 with threonine.
Molecular consequence: missense variant.
Genome position (GRCh38, 1-based): chr17:31,260,385, G>A. VCF-style: chr17-31260385-G-A. GRCh37 (hg19) VCF-style: chr17-29587403-G-A.
Other names: c.4384G>A, p.Ala1462Thr (NM_000267.4); short protein forms A1483T, A1462T.
Identifiers: ClinVar variation 527492 (VCV000527492.9), dbSNP rs1555618808, ClinGen allele CA398999213.